The following is an entry in ClinVar:

NM_033026.6(PCLO):c.2551A>C (p.Lys851Gln)

Gene: PCLO (piccolo presynaptic cytomatrix protein; minus strand). Cytogenetic location: 7q21.11.
Variant type: single nucleotide variant.
Coding change: c.2551A>C on transcript NM_033026.6 (MANE Select); coding-DNA position 2551, A replaced by C.
Protein change: p.Lys851Gln; replaces lysine 851 with glutamine.
Molecular consequence: missense variant.
Genome position (GRCh38, 1-based): chr7:83,134,999, T>G on the plus strand (A>C on the coding strand, the complement: PCLO is on the minus strand). VCF-style: chr7-83134999-T-G. GRCh37 (hg19) VCF-style: chr7-82764315-T-G.
Other names: c.2551A>C, p.Lys851Gln (NM_014510.3); short protein forms K851Q.
Identifiers: ClinVar variation 1914971 (VCV001914971.2), dbSNP rs766386744, ClinGen allele CA4321244.

ClinVar aggregate classification (germline): Uncertain significance (1 of 4 stars; one submission).

Allele frequency attached by ClinVar (database versions not stated): gnomAD exomes below 0.00001; TOPMed below 0.00001; ExAC 0.00002.
gnomAD v4.1: 8 of 1,613,586 alleles (0.0005%); highest among the groups gnomAD compares: East Asian, 0.0045%; no homozygotes.

Submission:

Labcorp Genetics (formerly Invitae), Labcorp
Classification: Uncertain significance. Last evaluated: 2022-08-23. Review status: criteria provided, single submitter. Criteria: Invitae Variant Classification Sherloc (09022015). Collection method: clinical testing. Allele origin: germline.
Comment: This sequence change replaces lysine, which is basic and polar, with glutamine, which is neutral and polar, at codon 851 of the PCLO protein (p.Lys851Gln). This variant is present in population databases (rs766386744, gnomAD 0.02%). This variant has not been reported in the literature in individuals affected with PCLO-related conditions. Algorithms developed to predict the effect of missense changes on protein structure and function are either unavailable or do not agree on the potential impact of this missense change (SIFT: "Tolerated"; PolyPhen-2: "Not Available"; Align-GVGD: "Class C0"). In summary, the available evidence is currently insufficient to determine the role of this variant in disease. Therefore, it has been classified as a Variant of Uncertain Significance.